The following is an entry in ClinVar:

NM_025114.4(CEP290):c.6270+18del

Gene: CEP290 (centrosomal protein 290; minus strand). Cytogenetic location: 12q21.32.
Variant type: Deletion.
Coding change: c.6270+18del on transcript NM_025114.4 (MANE Select); 18 bases into the intron after coding-DNA position 6270, one base deleted (T; older notation c.6270+18delT).
Molecular consequence: intron variant.
Genome position (GRCh38, 1-based): chr12:88,063,963, A deleted on the plus strand (T on the coding strand, the reverse complement: CEP290 is on the minus strand); the first of 6 consecutive A bases (chr12:88,063,963-88,063,968); deleting any one gives the same sequence. VCF-style (leftmost placement, unchanged base first): chr12-88063962-TA-T. GRCh37 (hg19) VCF-style: chr12-88457739-TA-T.
Other names: c.6270+18delT (NM_025114.3).
Identifiers: ClinVar variation 420349 (VCV000420349.9), dbSNP rs371141771, ClinGen allele CA16619597.

ClinVar aggregate classification (germline): Benign/Likely benign. Review status: criteria provided, multiple submitters, no conflicts (2 of 4 stars). 2 submissions from 2 submitters: Benign (1); Likely benign (1). Last evaluated 2025-07-09.

Conditions:
Meckel-Gruber syndrome. Also called: Dysencephalia splachnocystica; GRUBER SYNDROME; DYSENCEPHALIA SPLANCHNOCYSTICA. Identifiers: Orphanet 564, MedGen C0265215, MONDO:0018921.
Nephronophthisis. Also called: Juvenile Nephronophthisis. Identifiers: Orphanet 655, MedGen C0687120, MONDO:0019005, HP:0000090.
Joubert syndrome. Also called: JOUBERT-BOLTSHAUSER SYNDROME; Familial aplasia of the vermis; CEREBELLOPARENCHYMAL DISORDER IV. Identifiers: Orphanet 475, MedGen C5979921, MONDO:0018772.

Submissions (2):

Labcorp Genetics (formerly Invitae), Labcorp
Classification: Benign for Joubert syndrome; Meckel-Gruber syndrome; Nephronophthisis. Last evaluated: 2025-07-09. Review status: criteria provided, single submitter. Criteria: Invitae Variant Classification Sherloc (09022015). Collection method: clinical testing. Allele origin: germline.

GeneDx
Classification: Likely benign. Last evaluated: 2016-01-08. Review status: criteria provided, single submitter. Criteria: GeneDx Variant Classification (06012015). Collection method: clinical testing. Allele origin: germline. Affected: yes.
Comment: This variant is considered likely benign or benign based on one or more of the following criteria: it is a conservative change, it occurs at a poorly conserved position in the protein, it is predicted to be benign by multiple in silico algorithms, and/or has population frequency not consistent with disease.